The following is an entry in ClinVar:

ClinVar aggregate classification (germline): Uncertain significance (1 of 4 stars; one submission).

Conditions:
Familial focal epilepsy with variable foci (FPEVF). Identifiers: Orphanet 98820, MedGen C1858477, MONDO:0020310.

Allele frequency attached by ClinVar (database versions not stated): TOPMed below 0.00001.

Submission:

Labcorp Genetics (formerly Invitae), Labcorp
Classification: Uncertain significance for Familial focal epilepsy with variable foci. Last evaluated: 2022-04-22. Review status: criteria provided, single submitter. Criteria: Invitae Variant Classification Sherloc (09022015). Collection method: clinical testing. Allele origin: germline.
Comment: This sequence change replaces methionine, which is neutral and non-polar, with threonine, which is neutral and polar, at codon 1134 of the DEPDC5 protein (p.Met1134Thr). In summary, the available evidence is currently insufficient to determine the role of this variant in disease. Therefore, it has been classified as a Variant of Uncertain Significance. Algorithms developed to predict the effect of missense changes on protein structure and function are either unavailable or do not agree on the potential impact of this missense change (SIFT: "Tolerated"; PolyPhen-2: "Not Available"; Align-GVGD: "Class C0"). This variant has not been reported in the literature in individuals affected with DEPDC5-related conditions. This variant is not present in population databases (gnomAD no frequency).

NM_001242896.3(DEPDC5):c.3401T>C (p.Met1134Thr)

Gene: DEPDC5 (DEP domain containing 5, GATOR1 subcomplex subunit; plus strand). Cytogenetic location: 22q12.3.
Variant type: single nucleotide variant.
Coding change: c.3401T>C on transcript NM_001242896.3 (MANE Select); coding-DNA position 3401, T replaced by C.
Protein change: p.Met1134Thr; replaces methionine 1134 with threonine.
Molecular consequence: missense variant. On other transcripts: non-coding transcript variant (5).
Genome position (GRCh38, 1-based): chr22:31,870,660, T>C. VCF-style: chr22-31870660-T-C. GRCh37 (hg19) VCF-style: chr22-32266646-T-C.
Other names: c.3374T>C, p.Met1125Thr (NM_001136029.4); c.3101T>C, p.Met1034Thr (NM_001242897.2); c.3335T>C, p.Met1112Thr (NM_001363852.2, NM_001364320.2); c.3167T>C, p.Met1056Thr (NM_001363854.2, NM_001364319.2); c.3401T>C, p.Met1134Thr (NM_001364318.2); c.3317T>C, p.Met1106Thr (NM_001369901.1, NM_001369902.1); c.3308T>C, p.Met1103Thr (NM_001369903.1, NM_014662.6); short protein forms M1056T, M1112T, M1134T, M1034T, M1125T, M1103T, M1106T.
Identifiers: ClinVar variation 2129185 (VCV002129185.4), dbSNP rs2092815762, ClinGen allele CA411296629.